The following is an entry in ClinVar:

NM_001164462.2(MUC12):c.15972C>T (p.His5324=)

Genes: MUC12 (mucin 12, cell surface associated; plus strand), LOC123956190 (Sharpr-MPRA regulatory region 8701; plus strand). Cytogenetic location: 7q22.1.
Variant type: single nucleotide variant.
Coding change: c.15972C>T on transcript NM_001164462.2 (MANE Select); coding-DNA position 15972, C replaced by T.
Protein change: p.His5324=; no amino-acid change (histidine 5324 retained).
Molecular consequence: synonymous variant.
Genome position (GRCh38, 1-based): chr7:101,018,600, C>T. VCF-style: chr7-101018600-C-T. GRCh37 (hg19) VCF-style: chr7-100661881-C-T.
Identifiers: ClinVar variation 2657831 (VCV002657831.24), dbSNP rs2485827860, ClinGen allele CA456776194.

ClinVar aggregate classification (germline): Likely benign (1 of 4 stars; one submission).

Allele frequency attached by ClinVar (database versions not stated): gnomAD exomes 0.00001.
gnomAD v4.1: 13 of 1,536,050 alleles (0.00085%); highest among the groups gnomAD compares: Non-Finnish European, 0.0011%; no homozygotes.

Submission:

CeGaT Center for Human Genetics Tuebingen
Classification: Likely benign. Last evaluated: 2022-10-01. Review status: criteria provided, single submitter. Criteria: CeGaT Center For Human Genetics Tuebingen Variant Classification Criteria Version 2. Collection method: clinical testing. Allele origin: germline. Affected: yes. Observed: 1 variant allele.
Comment: MUC12: PM2:Supporting, BP4, BP7